The following is an entry in ClinVar:

NM_007294.4(BRCA1):c.701C>A (p.Thr234Lys)

Gene: BRCA1 (BRCA1 DNA repair associated; minus strand). Cytogenetic location: 17q21.31.
Variant type: single nucleotide variant.
Coding change: c.701C>A on transcript NM_007294.4 (MANE Select); coding-DNA position 701, C replaced by A.
Protein change: p.Thr234Lys; replaces threonine 234 with lysine.
Molecular consequence: missense variant. On other transcripts: non-coding transcript variant (1).
Genome position (GRCh38, 1-based): chr17:43,094,830, G>T on the plus strand (C>A on the coding strand, the complement: BRCA1 is on the minus strand). VCF-style: chr17-43094830-G-T. GRCh37 (hg19) VCF-style: chr17-41246847-G-T.
Other names: c.623C>A, p.Thr208Lys (NM_001408411.1, NM_001408412.1, NM_001408414.1 and 9 more transcripts); c.698C>A, p.Thr233Lys (NM_001407627.1, NM_001407628.1, NM_001407631.1 and 38 more transcripts); c.620C>A, p.Thr207Lys (NM_001408416.1, NM_001408413.1, NM_001407659.1 and 3 more transcripts); c.578C>A, p.Thr193Lys (NM_001408425.1, NM_001407937.1, NM_001407938.1 and 34 more transcripts); c.434C>A, p.Thr145Lys (NM_001407934.1, NM_001407936.1, NM_001408503.1 and 5 more transcripts); c.437C>A, p.Thr146Lys (NM_001407935.1, NM_001408496.1, NM_001408497.1 and 15 more transcripts); c.575C>A, p.Thr192Lys (NM_001407940.1, NM_001407941.1, NM_001408432.1 and 20 more transcripts); c.560C>A, p.Thr187Lys (NM_001407942.1, NM_001407944.1, NM_001407945.1 and 43 more transcripts); and 14 more; short protein forms T234K, T187K, T106K, T122K, T164K, T166K, T107K, T167K.
Identifiers: ClinVar variation 628440 (VCV000628440.21), dbSNP rs1555593290, ClinGen allele CA10600686.

ClinVar aggregate classification (germline): Conflicting classifications of pathogenicity. Review status: criteria provided, conflicting classifications (1 of 4 stars). 6 submissions from 6 submitters: Uncertain significance (5); Likely benign (1). Last evaluated 2025-01-10.

Conditions:
Hereditary cancer-predisposing syndrome. Also called: Neoplastic Syndromes, Hereditary; Tumor predisposition; Hereditary neoplastic syndrome; Hereditary Cancer Syndrome. Identifiers: Orphanet 140162, MedGen C0027672, MeSH D009386, MONDO:0015356.
Hereditary breast ovarian cancer syndrome. Also called: Hereditary breast and ovarian cancer syndrome; Hereditary breast and ovarian cancer; Hereditary breast and ovarian cancer syndrome (HBOC); Breast and ovarian cancer; Hereditary breast and/or ovarian cancer syndrome; BRCA1- and BRCA2-Associated Hereditary Breast and Ovarian Cancer. Identifiers: Orphanet 145, MedGen C0677776, MeSH D061325, MONDO:0003582. Disease mechanism: loss of function.

Allele frequency attached by ClinVar (database versions not stated): gnomAD 0.00001.

Submissions (6):

Ambry Genetics
Classification: Uncertain significance for Hereditary cancer-predisposing syndrome. Last evaluated: 2025-01-10. Review status: criteria provided, single submitter. Criteria: Ambry Variant Classification Scheme 2023. Collection method: clinical testing. Allele origin: germline.
Comment: The p.T234K variant (also known as c.701C>A), located in coding exon 9 of the BRCA1 gene, results from a C to A substitution at nucleotide position 701. The threonine at codon 234 is replaced by lysine, an amino acid with similar properties. This amino acid position is not well conserved in available vertebrate species. In addition, this alteration is predicted to be deleterious by in silico analysis. Since supporting evidence is limited at this time, the clinical significance of this alteration remains unclear.

Labcorp Genetics (formerly Invitae), Labcorp
Classification: Uncertain significance for Hereditary breast ovarian cancer syndrome. Last evaluated: 2024-06-16. Review status: criteria provided, single submitter. Criteria: Invitae Variant Classification Sherloc (09022015). Collection method: clinical testing. Allele origin: germline.
Comment: This sequence change replaces threonine, which is neutral and polar, with lysine, which is basic and polar, at codon 234 of the BRCA1 protein (p.Thr234Lys). This variant is not present in population databases (gnomAD no frequency). This variant has not been reported in the literature in individuals affected with BRCA1-related conditions. ClinVar contains an entry for this variant (Variation ID: 628440). Advanced modeling of protein sequence and biophysical properties (such as structural, functional, and spatial information, amino acid conservation, physicochemical variation, residue mobility, and thermodynamic stability) performed at Invitae indicates that this missense variant is not expected to disrupt BRCA1 protein function with a negative predictive value of 95%. In summary, the available evidence is currently insufficient to determine the role of this variant in disease. Therefore, it has been classified as a Variant of Uncertain Significance.

University of Washington Department of Laboratory Medicine, University of Washington
Classification: Likely benign for Hereditary cancer-predisposing syndrome. Last evaluated: 2023-03-23. Review status: criteria provided, single submitter. Criteria: Dines et al. (Genet Med. 2020). Collection method: curation. Allele origin: germline.
Comment: Missense variant in a coldspot region where missense variants are very unlikely to be pathogenic (PMID:31911673).

BRCA1 coldspot (exon 11 using historical exon numbering). Reclassification based on statistical prior probability

Mendelics
Classification: Uncertain significance. Last evaluated: 2022-05-04. Review status: criteria provided, single submitter. Criteria: Mendelics Assertion Criteria 2019. Collection method: clinical testing. Allele origin: germline.

Women's Health and Genetics/Laboratory Corporation of America, LabCorp
Classification: Uncertain significance. Last evaluated: 2020-03-01. Review status: criteria provided, single submitter. Criteria: LabCorp Variant Classification Summary - May 2015. Collection method: clinical testing. Allele origin: germline.
Comment: Variant summary: BRCA1 c.701C>A (p.Thr234Lys) results in a non-conservative amino acid change in the encoded protein sequence. Three of five in-silico tools predict a damaging effect of the variant on protein function. The variant was absent in 248832 control chromosomes. The available data on variant occurrences in the general population are insufficient to allow any conclusion about variant significance. To our knowledge, no occurrence of c.701C>A in individuals affected with Hereditary Breast and Ovarian Cancer and no experimental evidence demonstrating its impact on protein function have been reported. One clinical diagnostic laboratory has submitted clinical-significance assessments for this variant to ClinVar after 2014 without evidence for independent evaluation and classified the variant as uncertain significance. Based on the evidence outlined above, the variant was classified as uncertain significance.

Color Diagnostics, LLC DBA Color Health
Classification: Uncertain significance for Hereditary cancer-predisposing syndrome. Last evaluated: 2019-05-22. Review status: criteria provided, single submitter. Criteria: ACMG Guidelines, 2015. Collection method: clinical testing. Allele origin: germline.